The following is an entry in ClinVar:

ClinVar aggregate classification (germline): Conflicting classifications of pathogenicity. Review status: criteria provided, conflicting classifications (1 of 4 stars). 2 submissions from 2 submitters: Uncertain significance (1); Likely benign (1). Last evaluated 2025-08-14.

Conditions:
Inborn genetic diseases. Identifiers: MedGen C0950123, MeSH D030342.

Allele frequency attached by ClinVar (database versions not stated): ExAC 0.00004; gnomAD exomes 0.00005 and 0.00013; ESP Exome Variant Server 0.00008; TOPMed 0.00008; gnomAD 0.00010 and 0.00011; 1000 Genomes Project 30x 0.00016; 1000 Genomes Project 0.00020.
gnomAD v4.1: 197 of 1,609,666 alleles (0.012%); highest among the groups gnomAD compares: Non-Finnish European, 0.016%; no homozygotes.

Submissions (2):

Labcorp Genetics (formerly Invitae), Labcorp
Classification: Uncertain significance. Last evaluated: 2025-08-14. Review status: criteria provided, single submitter. Criteria: Invitae Variant Classification Sherloc (09022015). Collection method: clinical testing. Allele origin: germline.
Comment: This sequence change replaces isoleucine, which is neutral and non-polar, with valine, which is neutral and non-polar, at codon 314 of the WHSC1 protein (p.Ile314Val). This variant is present in population databases (rs371529672, gnomAD 0.01%). This variant has not been reported in the literature in individuals affected with WHSC1-related conditions. ClinVar contains an entry for this variant (Variation ID: 3202302). Invitae Evidence Modeling of protein sequence and biophysical properties (such as structural, functional, and spatial information, amino acid conservation, physicochemical variation, residue mobility, and thermodynamic stability) indicates that this missense variant is not expected to disrupt WHSC1 protein function with a negative predictive value of 80%. In summary, the available evidence is currently insufficient to determine the role of this variant in disease. Therefore, it has been classified as a Variant of Uncertain Significance.

Ambry Genetics
Classification: Likely benign for Inborn genetic diseases. Last evaluated: 2022-02-03. Review status: criteria provided, single submitter. Criteria: Ambry Variant Classification Scheme 2023. Collection method: clinical testing. Allele origin: germline.

NM_001042424.3(NSD2):c.940A>G (p.Ile314Val)

Gene: NSD2 (nuclear receptor binding SET domain protein 2; plus strand). Cytogenetic location: 4p16.3.
Variant type: single nucleotide variant.
Coding change: c.940A>G on transcript NM_001042424.3 (MANE Select); coding-DNA position 940, A replaced by G.
Protein change: p.Ile314Val; replaces isoleucine 314 with valine.
Molecular consequence: missense variant.
Genome position (GRCh38, 1-based): chr4:1,918,153, A>G. VCF-style: chr4-1918153-A-G. GRCh37 (hg19) VCF-style: chr4-1919880-A-G.
Other names: c.940A>G, p.Ile314Val (NM_007331.2, NM_133330.3, NM_133331.3 and 2 more transcripts); short protein forms I314V.
Identifiers: ClinVar variation 3202302 (VCV003202302.2), dbSNP rs371529672, ClinGen allele CA2812000.